The following is an entry in ClinVar:

NM_017952.6(PTCD3):c.208G>A (p.Val70Ile)

Gene: PTCD3 (pentatricopeptide repeat domain 3; plus strand). Cytogenetic location: 2p11.2.
Variant type: single nucleotide variant.
Coding change: c.208G>A on transcript NM_017952.6 (MANE Select); coding-DNA position 208, G replaced by A.
Protein change: p.Val70Ile; replaces valine 70 with isoleucine.
Molecular consequence: missense variant.
Genome position (GRCh38, 1-based): chr2:86,111,126, G>A. VCF-style: chr2-86111126-G-A. GRCh37 (hg19) VCF-style: chr2-86338249-G-A.
Other names: c.208G>A (NM_017952.5); short protein forms V70I.
Identifiers: ClinVar variation 3341544 (VCV003341544.17).

ClinVar aggregate classification (germline): Likely benign. Review status: criteria provided, multiple submitters, no conflicts (2 of 4 stars). 2 submissions from 2 submitters: Likely benign (2). Last evaluated 2026-09-01.

Conditions:
PTCD3-related disorder. Also called: PTCD3-related condition.

gnomAD v4.1: 7,939 of 1,613,586 alleles (0.49%); highest among the groups gnomAD compares: South Asian, 0.6%; 34 homozygotes.

Submissions (2):

CeGaT Center for Human Genetics Tuebingen
Classification: Likely benign. Last evaluated: 2026-09-01. Review status: criteria provided, single submitter. Criteria: CeGaT Center For Human Genetics Tuebingen Variant Classification Criteria Version 2. Collection method: clinical testing. Allele origin: germline. Affected: yes. Observed: 8 variant alleles.
Comment: PTCD3: BP4, BS2

PreventionGenetics, part of Exact Sciences
Classification: Likely benign for PTCD3-related condition. Last evaluated: 2025-09-11. Review status: criteria provided, single submitter. Criteria: ACMG Guidelines, 2015. Collection method: clinical testing. Allele origin: germline.
Comment: This variant is classified as likely benign based on ACMG/AMP sequence variant interpretation guidelines (Richards et al. 2015 PMID: 25741868, with internal and published modifications).